The following is an entry in ClinVar:

ClinVar aggregate classification (germline): Uncertain significance. Review status: criteria provided, multiple submitters, no conflicts (2 of 4 stars). 2 submissions from 2 submitters: Uncertain significance (2). Last evaluated 2022-08-05.

Allele frequency attached by ClinVar (database versions not stated): gnomAD 0.00001; TOPMed 0.00001; ExAC 0.00006; gnomAD exomes 0.00007.

Submissions (2):

Labcorp Genetics (formerly Invitae), Labcorp
Classification: Uncertain significance. Last evaluated: 2022-08-05. Review status: criteria provided, single submitter. Criteria: Invitae Variant Classification Sherloc (09022015). Collection method: clinical testing. Allele origin: germline.
Comment: This sequence change replaces valine, which is neutral and non-polar, with methionine, which is neutral and non-polar, at codon 359 of the PCARE protein (p.Val359Met). This variant is present in population databases (rs766535551, gnomAD 0.02%). This variant has not been reported in the literature in individuals affected with PCARE-related conditions. Algorithms developed to predict the effect of missense changes on protein structure and function output the following: SIFT: "Deleterious"; PolyPhen-2: "Possibly Damaging"; Align-GVGD: "Class C0". The methionine amino acid residue is found in multiple mammalian species, which suggests that this missense change does not adversely affect protein function. In summary, the available evidence is currently insufficient to determine the role of this variant in disease. Therefore, it has been classified as a Variant of Uncertain Significance.

Blueprint Genetics
Classification: Uncertain significance. Last evaluated: 2021-08-11. Review status: criteria provided, single submitter. Criteria: ACMG Guidelines, 2015. Collection method: clinical testing. Allele origin: germline.

NM_001029883.3(PCARE):c.1075G>A (p.Val359Met)

Gene: PCARE (photoreceptor cilium actin regulator; minus strand). Cytogenetic location: 2p23.2.
Variant type: single nucleotide variant.
Coding change: c.1075G>A on transcript NM_001029883.3 (MANE Select); coding-DNA position 1075, G replaced by A.
Protein change: p.Val359Met; replaces valine 359 with methionine.
Molecular consequence: missense variant.
Genome position (GRCh38, 1-based): chr2:29,073,187, C>T on the plus strand (G>A on the coding strand, the complement: PCARE is on the minus strand). VCF-style: chr2-29073187-C-T. GRCh37 (hg19) VCF-style: chr2-29296053-C-T.
Other names: short protein forms V359M.
Identifiers: ClinVar variation 2148287 (VCV002148287.2), dbSNP rs766535551, ClinGen allele CA1592505.